The following is an entry in ClinVar:

NM_002230.4(JUP):c.1934C>T (p.Ala645Val)

Gene: JUP (junction plakoglobin; minus strand). Cytogenetic location: 17q21.2.
Variant type: single nucleotide variant.
Coding change: c.1934C>T on transcript NM_002230.4 (MANE Select); coding-DNA position 1934, C replaced by T.
Protein change: p.Ala645Val; replaces alanine 645 with valine.
Molecular consequence: missense variant.
Genome position (GRCh38, 1-based): chr17:41,757,527, G>A on the plus strand (C>T on the coding strand, the complement: JUP is on the minus strand). VCF-style: chr17-41757527-G-A. GRCh37 (hg19) VCF-style: chr17-39913779-G-A.
Other names: c.1934C>T, p.Ala645Val (NM_001352773.2, NM_001352774.2, NM_001352775.2 and 3 more transcripts); short protein forms A645V.
Identifiers: ClinVar variation 2155751 (VCV002155751.4), dbSNP rs1328999812, ClinGen allele CA399491979.

ClinVar aggregate classification (germline): Uncertain significance (1 of 4 stars; one submission).

Conditions:
Naxos disease (NXD). Also called: KERATOSIS PALMOPLANTARIS WITH ARRHYTHMOGENIC CARDIOMYOPATHY; MAL DE NAXOS; CARDIOMYOPATHY, ARRHYTHMOGENIC RIGHT VENTRICULAR, WITH SKIN, HAIR, AND NAIL ABNORMALITIES; WOOLLY HAIR, PALMOPLANTAR KERATODERMA, AND CARDIAC ABNORMALITIES; PALMOPLANTAR KERATODERMA WITH ARRHYTHMOGENIC RIGHT VENTRICULAR CARDIOMYOPATHY AND WOOLLY HAIR. Identifiers: Orphanet 34217, MedGen C1832600, MONDO:0011017, OMIM 601214.
Arrhythmogenic right ventricular dysplasia 12. Also called: ARRHYTHMOGENIC RIGHT VENTRICULAR DYSPLASIA, FAMILIAL, 12. Identifiers: MedGen C1969081, MONDO:0012684, OMIM 611528.

Allele frequency attached by ClinVar (database versions not stated): gnomAD exomes below 0.00001; gnomAD 0.00001; TOPMed 0.00001.
gnomAD v4.1: 3 of 1,614,120 alleles (0.00019%); highest among the groups gnomAD compares: Admixed American, 0.005%; no homozygotes.

Submission:

Labcorp Genetics (formerly Invitae), Labcorp
Classification: Uncertain significance for Arrhythmogenic right ventricular dysplasia 12; Naxos disease. Last evaluated: 2023-12-04. Review status: criteria provided, single submitter. Criteria: Invitae Variant Classification Sherloc (09022015). Collection method: clinical testing. Allele origin: germline.
Comment: This sequence change replaces alanine, which is neutral and non-polar, with valine, which is neutral and non-polar, at codon 645 of the JUP protein (p.Ala645Val). This variant is present in population databases (no rsID available, gnomAD 0.003%). This variant has not been reported in the literature in individuals affected with JUP-related conditions. ClinVar contains an entry for this variant (Variation ID: 2155751). An algorithm developed to predict the effect of missense changes on protein structure and function (PolyPhen-2) suggests that this variant is likely to be tolerated. In summary, the available evidence is currently insufficient to determine the role of this variant in disease. Therefore, it has been classified as a Variant of Uncertain Significance.